The following is an entry in ClinVar:

ClinVar aggregate classification (germline): Pathogenic (1 of 4 stars; one submission).

Conditions:
Polycystic kidney disease, adult type (PKD1). Also called: Polycystic Kidney Disease 1, Autosomal Dominant; Polycystic kidney disease 1; Polycystic kidney disease 1, severe; POLYCYSTIC KIDNEY DISEASE, ADULT, TYPE I; Polycystic Kidney, Autosomal Dominant; POLYCYSTIC KIDNEY DISEASE 1 WITH OR WITHOUT POLYCYSTIC LIVER DISEASE. Identifiers: MedGen C3149841, MONDO:0008263, OMIM 173900.

Submission:

Victorian Clinical Genetics Services, Murdoch Childrens Research Institute
Classification: Pathogenic for Polycystic kidney disease, adult type. Last evaluated: 2026-06-01. Review status: criteria provided, single submitter. Criteria: ACMG Guidelines, 2015. Collection method: clinical testing. Allele origin: germline. Affected: yes.
Comment: This variant is classified as Pathogenic. Evidence in support of pathogenic classification: Variant is predicted to cause nonsense-mediated decay (NMD) and loss of protein (premature termination codon is located at least 54 nucleotides upstream of the final exon-exon junction); Variant is absent from gnomAD (v2, v3 and v4); Other NMD-predicted variant(s) comparable to the one identified in this case have very strong previous evidence for pathogenicity (DECIPHER). Additional information: This variant is heterozygous; This gene is associated with autosomal dominant disease. Polycystic kidney disease 1 (MIM#173900) is predominantly caused by monoallelic variants, with rare reports of biallelic variants causing disease (OMIM); Loss of function is a known mechanism of disease in this gene and is associated with polycystic kidney disease 1 (MIM#173900); Inheritance information for this variant is not currently available in this individual.

NM_001009944.3(PKD1):c.10319dup (p.Gln3441fs)

Gene: PKD1 (polycystin 1, transient receptor potential channel interacting; minus strand). Cytogenetic location: 16p13.3.
Variant type: Duplication.
Coding change: c.10319dup on transcript NM_001009944.3 (MANE Select); coding-DNA position 10319, one base duplicated (G; older notation c.10319dupG).
Protein change: p.Gln3441fs; shifts the reading frame from glutamine 3441.
Molecular consequence: frameshift variant.
Genome position (GRCh38, 1-based): chr16:2,097,405, C duplicated on the plus strand (G on the coding strand, the reverse complement: PKD1 is on the minus strand); the first of 4 consecutive C bases (chr16:2,097,405-2,097,408); duplicating any one gives the same sequence. VCF-style (leftmost placement, unchanged base first): chr16-2097404-G-GC. GRCh37 (hg19) VCF-style: chr16-2147405-G-GC.
Other names: c.10316dup, p.Gln3440fs (NM_000296.4); short protein forms Q3440fs, Q3441fs.
Identifiers: ClinVar variation 4879608 (VCV004879608.1).